The following is an entry in ClinVar:

NC_000012.12:g.40431657G>A

Gene: MUC19 (mucin 19, oligomeric (gene/pseudogene); plus strand). Cytogenetic location: 12q12.
Variant type: single nucleotide variant.
Genome position: GRCh38 VCF-style: chr12-40431657-G-A. GRCh37 (hg19) VCF-style: chr12-40825459-G-A.
Identifiers: ClinVar variation 2642859 (VCV002642859.24), dbSNP rs144344916, ClinGen allele CA6515302.
Genomic context (GRCh38, chr12:40,431,657, plus strand): 5'-AACATTTTAATGAAATTCATTTTTTACAGAATGAAGATTGGTCTATTAGTGTTGAGCTCC[G>A]TCCGTGCCCAAGTGGTCAGACAGGAACGTGCTTAAATAGCGTTACACTTCTCTTGAATTC-3'

ClinVar aggregate classification (germline): Likely benign (1 of 4 stars; one submission).

Allele frequency attached by ClinVar (database versions not stated): 1000 Genomes Project 30x 0.00047; 1000 Genomes Project 0.00060; gnomAD exomes 0.00158; gnomAD 0.00240; ExAC 0.00337.

Submission:

CeGaT Center for Human Genetics Tuebingen
Classification: Likely benign. Last evaluated: 2023-02-01. Review status: criteria provided, single submitter. Criteria: CeGaT Center For Human Genetics Tuebingen Variant Classification Criteria Version 2. Collection method: clinical testing. Allele origin: germline. Affected: yes. Observed: 1 variant allele.
Comment: MUC19: BS2